The following is an entry in ClinVar:

ClinVar aggregate classification (germline): Uncertain significance. Review status: criteria provided, multiple submitters, no conflicts (2 of 4 stars). 2 submissions from 2 submitters: Uncertain significance (2). Last evaluated 2026-01-04.

Conditions:
Primary ciliary dyskinesia. Also called: Ciliary dyskinesia. Identifiers: Orphanet 244, MedGen C0008780, MONDO:0016575, HP:0012265.

Submissions (2):

Labcorp Genetics (formerly Invitae), Labcorp
Classification: Uncertain significance for Primary ciliary dyskinesia. Last evaluated: 2026-01-04. Review status: criteria provided, single submitter. Criteria: Invitae Variant Classification Sherloc (09022015). Collection method: clinical testing. Allele origin: germline.
Comment: This sequence change replaces methionine, which is neutral and non-polar, with leucine, which is neutral and non-polar, at codon 1370 of the DNAH5 protein (p.Met1370Leu). This variant is not present in population databases (gnomAD no frequency). This variant has not been reported in the literature in individuals affected with DNAH5-related conditions. ClinVar contains an entry for this variant (Variation ID: 3221505). Invitae Evidence Modeling of protein sequence and biophysical properties (such as structural, functional, and spatial information, amino acid conservation, physicochemical variation, residue mobility, and thermodynamic stability) indicates that this missense variant is not expected to disrupt DNAH5 protein function with a negative predictive value of 95%. In summary, the available evidence is currently insufficient to determine the role of this variant in disease. Therefore, it has been classified as a Variant of Uncertain Significance.

Ambry Genetics
Classification: Uncertain significance for Primary ciliary dyskinesia. Last evaluated: 2024-02-17. Review status: criteria provided, single submitter. Criteria: Ambry Variant Classification Scheme 2023. Collection method: clinical testing. Allele origin: germline.
Comment: The p.M1370L variant (also known as c.4108A>T), located in coding exon 26 of the DNAH5 gene, results from an A to T substitution at nucleotide position 4108. The methionine at codon 1370 is replaced by leucine, an amino acid with highly similar properties. This amino acid position is conserved. In addition, this alteration is predicted to be tolerated by in silico analysis. Based on the available evidence, the clinical significance of this alteration remains unclear.

NM_001369.3(DNAH5):c.4108A>T (p.Met1370Leu)

Genes: DNAH5 (dynein axonemal heavy chain 5; minus strand), DNAH5-AS1 (DNAH5 antisense RNA 1; plus strand). Cytogenetic location: 5p15.2.
Variant type: single nucleotide variant.
Coding change: c.4108A>T on transcript NM_001369.3 (MANE Select); coding-DNA position 4108, A replaced by T.
Protein change: p.Met1370Leu; replaces methionine 1370 with leucine.
Molecular consequence: missense variant.
Genome position (GRCh38, 1-based): chr5:13,866,228, T>A on the plus strand (A>T on the coding strand, the complement: DNAH5 is on the minus strand). VCF-style: chr5-13866228-T-A. GRCh37 (hg19) VCF-style: chr5-13866337-T-A.
Other names: short protein forms M1370L.
Identifiers: ClinVar variation 3221505 (VCV003221505.2), dbSNP rs2546984319, ClinGen allele CA359226146.